The following is an entry in ClinVar:

ClinVar aggregate classification (germline): Uncertain significance (1 of 4 stars; one submission).

gnomAD v4.1: 1 of 1,613,606 alleles (0.000062%); no homozygotes.

Submission:

Labcorp Genetics (formerly Invitae), Labcorp
Classification: Uncertain significance. Last evaluated: 2022-03-13. Review status: criteria provided, single submitter. Criteria: Invitae Variant Classification Sherloc (09022015). Collection method: clinical testing. Allele origin: germline.
Comment: This variant is not present in population databases (gnomAD no frequency). This sequence change replaces lysine, which is basic and polar, with arginine, which is basic and polar, at codon 394 of the NCKAP1L protein (p.Lys394Arg). This variant has not been reported in the literature in individuals affected with NCKAP1L-related conditions. In summary, the available evidence is currently insufficient to determine the role of this variant in disease. Therefore, it has been classified as a Variant of Uncertain Significance. Algorithms developed to predict the effect of missense changes on protein structure and function are either unavailable or do not agree on the potential impact of this missense change (SIFT: "Tolerated"; PolyPhen-2: "Probably Damaging"; Align-GVGD: "Class C0").

NM_005337.5(NCKAP1L):c.1181A>G (p.Lys394Arg)

Gene: NCKAP1L (NCK associated protein 1 like; plus strand). Cytogenetic location: 12q13.2.
Variant type: single nucleotide variant.
Coding change: c.1181A>G on transcript NM_005337.5 (MANE Select); coding-DNA position 1181, A replaced by G.
Protein change: p.Lys394Arg; replaces lysine 394 with arginine.
Molecular consequence: missense variant.
Genome position (GRCh38, 1-based): chr12:54,517,618, A>G. VCF-style: chr12-54517618-A-G. GRCh37 (hg19) VCF-style: chr12-54911402-A-G.
Other names: c.1031A>G, p.Lys344Arg (NM_001184976.2); short protein forms K394R, K344R.
Identifiers: ClinVar variation 2090835 (VCV002090835.4), dbSNP rs2498597208, ClinGen allele CA385135289.